The following is an entry in ClinVar:

NM_181332.3(NLGN4X):c.1105C>A (p.Leu369Met)

Gene: NLGN4X (neuroligin 4 X-linked; minus strand). Cytogenetic location: Xp22.32.
Variant type: single nucleotide variant.
Coding change: c.1105C>A on transcript NM_181332.3 (MANE Select); coding-DNA position 1105, C replaced by A.
Protein change: p.Leu369Met; replaces leucine 369 with methionine.
Molecular consequence: missense variant.
Genome position (GRCh38, 1-based): chrX:5,903,573, G>T on the plus strand (C>A on the coding strand, the complement: NLGN4X is on the minus strand). VCF-style: chrX-5903573-G-T. GRCh37 (hg19) VCF-style: chrX-5821614-G-T.
Other names: c.1105C>A, p.Leu369Met (NM_001282145.2, NM_001282146.2, NM_020742.4); short protein forms L369M.
Identifiers: ClinVar variation 3252915 (VCV003252915.1), dbSNP rs2518447684.

ClinVar aggregate classification (germline): Uncertain significance (1 of 4 stars; one submission).

Submission:

GeneDx
Classification: Uncertain significance. Last evaluated: 2023-04-25. Review status: criteria provided, single submitter. Criteria: GeneDx Variant Classification Process June 2021. Collection method: clinical testing. Allele origin: germline. Affected: yes.
Comment: Not observed at significant frequency in large population cohorts (gnomAD); In silico analysis supports that this missense variant does not alter protein structure/function; Has not been previously published as pathogenic or benign to our knowledge